The following is an entry in ClinVar:

NM_002032.3(FTH1):c.456C>T (p.His152=)

Genes: BEST1 (bestrophin 1; plus strand), FTH1 (ferritin heavy chain 1; minus strand). Cytogenetic location: 11q12.3.
Variant type: single nucleotide variant.
Coding change: c.456C>T on transcript NM_002032.3 (MANE Select); coding-DNA position 456, C replaced by T.
Protein change: p.His152=; no amino-acid change (histidine 152 retained).
Molecular consequence: synonymous variant.
Genome position (GRCh38, 1-based): chr11:61,964,823, G>A on the plus strand (C>T on the coding strand, the complement: FTH1 is on the minus strand). VCF-style: chr11-61964823-G-A. GRCh37 (hg19) VCF-style: chr11-61732295-G-A.
Identifiers: ClinVar variation 2723880 (VCV002723880.16), dbSNP rs146700893, ClinGen allele CA6041222.

ClinVar aggregate classification (germline): Benign/Likely benign. Review status: criteria provided, multiple submitters, no conflicts (2 of 4 stars). 2 submissions from 2 submitters: Benign (1); Likely benign (1). Last evaluated 2025-03-31.

Allele frequency attached by ClinVar (database versions not stated): ExAC 0.00028; 1000 Genomes Project 30x 0.00031; 1000 Genomes Project 0.00040; gnomAD 0.00080; ESP Exome Variant Server 0.00083; TOPMed 0.00092.
gnomAD v4.1: 245 of 1,600,790 alleles (0.015%); highest among the groups gnomAD compares: African/African-American, 0.26%; no homozygotes.

Submissions (2):

Labcorp Genetics (formerly Invitae), Labcorp
Classification: Benign. Last evaluated: 2025-03-31. Review status: criteria provided, single submitter. Criteria: Invitae Variant Classification Sherloc (09022015). Collection method: clinical testing. Allele origin: germline.

CeGaT Center for Human Genetics Tuebingen
Classification: Likely benign. Last evaluated: 2025-02-01. Review status: criteria provided, single submitter. Criteria: CeGaT Center For Human Genetics Tuebingen Variant Classification Criteria Version 2. Collection method: clinical testing. Allele origin: germline. Affected: yes. Observed: 1 variant allele.
Comment: FTH1: BP4, BP7